The following is an entry in ClinVar:

NM_000215.4(JAK3):c.665G>A (p.Arg222His)

Gene: JAK3 (Janus kinase 3; minus strand). Cytogenetic location: 19p13.11.
Variant type: single nucleotide variant.
Coding change: c.665G>A on transcript NM_000215.4 (MANE Select); coding-DNA position 665, G replaced by A.
Protein change: p.Arg222His; replaces arginine 222 with histidine.
Molecular consequence: missense variant.
Genome position (GRCh38, 1-based): chr19:17,842,512, C>T on the plus strand (G>A on the coding strand, the complement: JAK3 is on the minus strand). VCF-style: chr19-17842512-C-T. GRCh37 (hg19) VCF-style: chr19-17953321-C-T.
Other names: NM_000215.4(JAK3):c.665G>A; p.Arg222His; short protein forms R222H.
Identifiers: ClinVar variation 1107911 (VCV001107911.11), dbSNP rs199868795, ClinGen allele CA9302106.

ClinVar aggregate classification (germline): Uncertain significance. Review status: reviewed by expert panel (3 of 4 stars). 3 submissions from 3 submitters: Uncertain significance (1). 2 of the submissions do not count toward it. Last evaluated 2026-10-08.

Conditions:
T-B+ severe combined immunodeficiency due to JAK3 deficiency. Also called: SCID, autosomal recessive, T-negative/B-positive type; SCID, T CELL-NEGATIVE, B CELL-POSITIVE, NK CELL-NEGATIVE. Identifiers: Orphanet 35078, MedGen C1833275, MONDO:0010938, OMIM 600802.

Allele frequency attached by ClinVar (database versions not stated): TOPMed 0.00011; ExAC 0.00034; gnomAD 0.00004; gnomAD exomes 0.00019 and 0.00004; 1000 Genomes Project 0.00020; 1000 Genomes Project 30x 0.00016.
gnomAD v4.1: 63 of 1,595,270 alleles (0.0039%); highest among the groups gnomAD compares: East Asian, 0.13%; no homozygotes.

Submissions (3):

ClinGen Severe Combined Immunodeficiency Variant Curation Expert Panel, ClinGen
Classification: Uncertain significance for T-B+ severe combined immunodeficiency due to JAK3 deficiency. Last evaluated: 2026-10-08. Review status: reviewed by expert panel. Criteria: ClinGen SCID ACMG Specifications JAK3 V2.3. Collection method: curation. Allele origin: germline. Inheritance: Autosomal recessive inheritance.
Comment: NM_000215.4(JAK3):c.665G>A is a missense variant predicted to result in the substitution of arginine with histidine at amino acid 222 (p.Arg222His). This variant is present in gnomAD v4.1.1 with a grpmax filtering allele frequency of 0.00098632 (East Asian), which does not meet the ClinGen SCID VCEP threshold for PM2_Supporting (<0.000115), nor does it reach the threshold for BS1_Strong (>0.001001); no homozygotes have been observed. This variant has not been reported in the literature in individual(s) affected with JAK3-related condition or in a functional study. In summary, this variant meets the criteria to be classified as a variant of uncertain significance for autosomal recessive severe combined immunodeficiency due to JAK3 deficiency with no ACMG/AMP criteria applied (VCEP specifications version 2.3.0).

Labcorp Genetics (formerly Invitae), Labcorp
Classification: Likely benign for T-B+ severe combined immunodeficiency due to JAK3 deficiency. Last evaluated: 2026-01-28. Review status: criteria provided, single submitter. Criteria: Invitae Variant Classification Sherloc (09022015). Collection method: clinical testing. Allele origin: germline. Not counted in ClinVar's aggregate classification.

Blueprint Genetics
Classification: Likely benign. Last evaluated: 2024-08-16. Review status: criteria provided, single submitter. Criteria: ACMG Guidelines, 2015. Collection method: clinical testing. Allele origin: germline. Not counted in ClinVar's aggregate classification.